The following is an entry in ClinVar:

NM_001042750.2(STAG2):c.2555C>G (p.Ala852Gly)

Gene: STAG2 (STAG2 cohesin complex component; plus strand). Cytogenetic location: Xq25.
Variant type: single nucleotide variant.
Coding change: c.2555C>G on transcript NM_001042750.2 (MANE Select); coding-DNA position 2555, C replaced by G.
Protein change: p.Ala852Gly; replaces alanine 852 with glycine.
Molecular consequence: missense variant.
Genome position (GRCh38, 1-based): chrX:124,076,353, C>G. VCF-style: chrX-124076353-C-G. GRCh37 (hg19) VCF-style: chrX-123210203-C-G.
Other names: c.2555C>G, p.Ala852Gly (NM_001042749.2, NM_001042751.2, NM_001282418.2 and 13 more transcripts); short protein forms A852G.
Identifiers: ClinVar variation 1520628 (VCV001520628.8), dbSNP rs1004139706, ClinGen allele CA335280352.
Genomic context (GRCh38, chrX:124,076,353, plus strand): 5'-AAAATACAAGATGCTTAATGTTTGGGACTTTTTCTCCAGATGGTCAGCAAGAGGATGAAG[C>G]CAGTAAAATTGAAGCTCTGCACAAGAGAAGAAATTTACTTGCAGCATTTTGTAAGCTAAT-3'
Protein context (NP_001036215.1, residues 842-862): NSADGQQEDE[Ala852Gly]SKIEALHKRR

ClinVar aggregate classification (germline): Uncertain significance (1 of 4 stars; one submission).

Allele frequency attached by ClinVar (database versions not stated): gnomAD 0.00001; gnomAD exomes 0.00001 and 0.00002; TOPMed 0.00001.
gnomAD v4.1: 21 of 1,207,024 alleles (0.0017%); highest among the groups gnomAD compares: Non-Finnish European, 0.0022%; no homozygotes.

Submission:

Labcorp Genetics (formerly Invitae), Labcorp
Classification: Uncertain significance. Last evaluated: 2024-04-26. Review status: criteria provided, single submitter. Criteria: Invitae Variant Classification Sherloc (09022015). Collection method: clinical testing. Allele origin: germline.
Comment: This sequence change replaces alanine, which is neutral and non-polar, with glycine, which is neutral and non-polar, at codon 852 of the STAG2 protein (p.Ala852Gly). This variant is present in population databases (no rsID available, gnomAD 0.003%). This variant has not been reported in the literature in individuals affected with STAG2-related conditions. ClinVar contains an entry for this variant (Variation ID: 1520628). An algorithm developed to predict the effect of missense changes on protein structure and function (PolyPhen-2) suggests that this variant is likely to be disruptive. In summary, the available evidence is currently insufficient to determine the role of this variant in disease. Therefore, it has been classified as a Variant of Uncertain Significance.